The following is an entry in ClinVar:

ClinVar aggregate classification (germline): Likely benign (1 of 4 stars; one submission).

Allele frequency attached by ClinVar (database versions not stated): gnomAD exomes below 0.00001.

Submission:

CeGaT Center for Human Genetics Tuebingen
Classification: Likely benign. Last evaluated: 2024-04-01. Review status: criteria provided, single submitter. Criteria: CeGaT Center For Human Genetics Tuebingen Variant Classification Criteria Version 2. Collection method: clinical testing. Allele origin: germline. Affected: yes. Observed: 1 variant allele.
Comment: POLR2A: PM2:Supporting, BP4, BP7

NM_000937.5(POLR2A):c.3192C>T (p.Ala1064=)

Gene: POLR2A (RNA polymerase II subunit A; plus strand). Cytogenetic location: 17p13.1.
Variant type: single nucleotide variant.
Coding change: c.3192C>T on transcript NM_000937.5 (MANE Select); coding-DNA position 3192, C replaced by T.
Protein change: p.Ala1064=; no amino-acid change (alanine 1064 retained).
Molecular consequence: synonymous variant.
Genome position (GRCh38, 1-based): chr17:7,503,743, C>T. VCF-style: chr17-7503743-C-T. GRCh37 (hg19) VCF-style: chr17-7407062-C-T.
Identifiers: ClinVar variation 3234400 (VCV003234400.20), dbSNP rs2508149333, ClinGen allele CA497702973.